The following is an entry in ClinVar:

NM_004393.6(DAG1):c.219C>T (p.Val73=)

Gene: DAG1 (dystroglycan 1; plus strand). Cytogenetic location: 3p21.31.
Variant type: single nucleotide variant.
Coding change: c.219C>T on transcript NM_004393.6 (MANE Select); coding-DNA position 219, C replaced by T.
Protein change: p.Val73=; no amino-acid change (valine 73 retained).
Molecular consequence: synonymous variant.
Genome position (GRCh38, 1-based): chr3:49,510,753, C>T. VCF-style: chr3-49510753-C-T. GRCh37 (hg19) VCF-style: chr3-49548186-C-T.
Other names: p.Val73=; c.219C>T, p.Val73= (NM_001165928.4, NM_001177634.3, NM_001177635.3 and 9 more transcripts).
Identifiers: ClinVar variation 500026 (VCV000500026.14), dbSNP rs145165301, ClinGen allele CA2398846.

ClinVar aggregate classification (germline): Conflicting classifications of pathogenicity. Review status: criteria provided, conflicting classifications (1 of 4 stars). 4 submissions from 4 submitters: Uncertain significance (1); Benign (1); Likely benign (2). Last evaluated 2026-01-14.

Conditions:
Muscular dystrophy-dystroglycanopathy (congenital with brain and eye anomalies), type A9. Also called: WALKER-WARBURG SYNDROME OR MUSCLE-EYE BRAIN DISEASE, DAG1-RELATED; Muscular dystrophy-dystroglycanopathy (congenital with brain and eye anomalies), type a, 9. Identifiers: Orphanet 370997, Orphanet 899, MedGen C4225291, MONDO:0014683, OMIM 616538.
Autosomal recessive limb-girdle muscular dystrophy type 2P. Also called: Limb-Girdle Muscular Dystrophy Type 9C; MUSCULAR DYSTROPHY, LIMB-GIRDLE, TYPE 2P; MUSCULAR DYSTROPHY-DYSTROGLYCANOPATHY, LIMB-GIRDLE, DAG1-RELATED. Identifiers: Orphanet 280333, MedGen C4511963, MONDO:0013440, OMIM 613818.

Allele frequency attached by ClinVar (database versions not stated): gnomAD 0.00004 and 0.00011; TOPMed 0.00004; ESP Exome Variant Server 0.00008; gnomAD exomes 0.00012 and 0.00017; ExAC 0.00017; 1000 Genomes Project 30x 0.00078; 1000 Genomes Project 0.00100.
gnomAD v4.1: 257 of 1,614,186 alleles (0.016%); highest among the groups gnomAD compares: East Asian, 0.48%; no homozygotes.

Submissions (4):

Labcorp Genetics (formerly Invitae), Labcorp
Classification: Likely benign for Autosomal recessive limb-girdle muscular dystrophy type 2P; Muscular dystrophy-dystroglycanopathy (congenital with brain and eye anomalies), type A9. Last evaluated: 2026-01-14. Review status: criteria provided, single submitter. Criteria: Invitae Variant Classification Sherloc (09022015). Collection method: clinical testing. Allele origin: germline.

Mayo Clinic Laboratories, Mayo Clinic
Classification: Likely benign. Last evaluated: 2025-02-10. Review status: criteria provided, single submitter. Criteria: ACMG Guidelines, 2015. Collection method: clinical testing. Allele origin: germline. Observed: 1 variant allele.
Comment: BS1, BP4, BP7

Athena Diagnostics
Classification: Benign. Last evaluated: 2020-11-24. Review status: criteria provided, single submitter. Criteria: Athena Diagnostics criteria. Collection method: clinical testing. Allele origin: unknown.

Eurofins Ntd Llc (ga)
Classification: Uncertain significance. Last evaluated: 2017-01-24. Review status: criteria provided, single submitter. Criteria: EGL Classification Definitions 2015. Collection method: clinical testing. Allele origin: germline. Observed: 1 variant allele, 1 heterozygote.